The following is an entry in ClinVar:

ClinVar aggregate classification (germline): Likely benign. Review status: criteria provided, single submitter (1 of 4 stars). 2 submissions from 2 submitters: Likely benign (1). 1 of the submissions does not count toward it. Last evaluated 2022-06-09.

Conditions:
IFT172-related disorder. Also called: IFT172-related condition; IFT172-related disorders.

Allele frequency attached by ClinVar (database versions not stated): gnomAD exomes below 0.00001; ExAC 0.00003; gnomAD 0.00004; TOPMed 0.00004; ESP Exome Variant Server 0.00008.
gnomAD v4.1: 12 of 1,611,224 alleles (0.00074%); highest among the groups gnomAD compares: African/African-American, 0.012%; no homozygotes.

Submissions (2):

Blueprint Genetics
Classification: Likely benign. Last evaluated: 2022-06-09. Review status: criteria provided, single submitter. Criteria: ACMG Guidelines, 2015. Collection method: clinical testing. Allele origin: germline.

PreventionGenetics, part of Exact Sciences
Classification: Uncertain significance for IFT172-related condition. Last evaluated: 2024-08-19. Review status: no assertion criteria provided. Collection method: clinical testing. Allele origin: germline. Not counted in ClinVar's aggregate classification.
Comment: The IFT172 c.1553C>G variant is predicted to result in the amino acid substitution p.Ser518Cys. To our knowledge, this variant has not been reported in the literature. This variant is reported in 0.031% of alleles in individuals of African descent in gnomAD. At this time, the clinical significance of this variant is uncertain due to the absence of conclusive functional and genetic evidence.

NM_015662.3(IFT172):c.1553C>G (p.Ser518Cys)

Gene: IFT172 (intraflagellar transport 172; minus strand). Cytogenetic location: 2p23.3.
Variant type: single nucleotide variant.
Coding change: c.1553C>G on transcript NM_015662.3 (MANE Select); coding-DNA position 1553, C replaced by G.
Protein change: p.Ser518Cys; replaces serine 518 with cysteine.
Molecular consequence: missense variant. On other transcripts: intron variant (1).
Genome position (GRCh38, 1-based): chr2:27,471,067, G>C on the plus strand (C>G on the coding strand, the complement: IFT172 is on the minus strand). VCF-style: chr2-27471067-G-C. GRCh37 (hg19) VCF-style: chr2-27693934-G-C.
Other names: c.1525-38C>G (NM_001410739.1); short protein forms S518C.
Identifiers: ClinVar variation 3050445 (VCV003050445.3), dbSNP rs375640327, ClinGen allele CA1580589.
Genomic context (GRCh38, chr2:27,471,067, plus strand): 5'-AGCACGTCACTTCCTGGGACCCACTGCATATAGGAGCAGAAGTTGAGGATCATTGTCTTA[G>C]AGCAGCTTTCAATATCATACAGATGCAACTGAAGAAAGAAAAGGCAGGTAACACAATTAC-3'
Protein context (NP_056477.1, residues 508-528): RLHLYDIESC[Ser518Cys]KTMILNFCSY